The following is an entry in ClinVar:

NM_006158.5(NEFL):c.1044+20A>T

Gene: NEFL (neurofilament light chain; minus strand). Cytogenetic location: 8p21.2.
Variant type: single nucleotide variant.
Coding change: c.1044+20A>T on transcript NM_006158.5 (MANE Select); 20 bases into the intron after coding-DNA position 1044, A replaced by T.
Molecular consequence: intron variant.
Genome position (GRCh38, 1-based): chr8:24,955,452, T>A on the plus strand (A>T on the coding strand, the complement: NEFL is on the minus strand). VCF-style: chr8-24955452-T-A. GRCh37 (hg19) VCF-style: chr8-24812966-T-A.
Identifiers: ClinVar variation 516528 (VCV000516528.9), dbSNP rs373892107, ClinGen allele CA4681391.

ClinVar aggregate classification (germline): Benign/Likely benign. Review status: criteria provided, multiple submitters, no conflicts (2 of 4 stars). 2 submissions from 2 submitters: Benign (1); Likely benign (1). Last evaluated 2025-09-15.

Conditions:
Charcot-Marie-Tooth disease type 2E (CMT2E). Also called: CHARCOT-MARIE-TOOTH DISEASE, AXONAL, TYPE 2E; CHARCOT-MARIE-TOOTH NEUROPATHY, TYPE 2E. Identifiers: Orphanet 99939, MedGen C1843225, MONDO:0011894, OMIM 607684.

Allele frequency attached by ClinVar (database versions not stated): 1000 Genomes Project 0.00160; 1000 Genomes Project 30x 0.00172; ExAC 0.00023; gnomAD exomes 0.00024; ESP Exome Variant Server 0.00057; gnomAD 0.00062; TOPMed 0.00092.
gnomAD v4.1: 191 of 638,456 alleles (0.03%); highest among the groups gnomAD compares: African/African-American, 0.33%; no homozygotes.

Submissions (2):

Labcorp Genetics (formerly Invitae), Labcorp
Classification: Benign for Charcot-Marie-Tooth disease type 2E. Last evaluated: 2025-09-15. Review status: criteria provided, single submitter. Criteria: Invitae Variant Classification Sherloc (09022015). Collection method: clinical testing. Allele origin: germline.

GeneDx
Classification: Likely benign. Last evaluated: 2018-03-01. Review status: criteria provided, single submitter. Criteria: GeneDx Variant Classification (06012015). Collection method: clinical testing. Allele origin: germline. Affected: yes.
Comment: This variant is considered likely benign or benign based on one or more of the following criteria: it is a conservative change, it occurs at a poorly conserved position in the protein, it is predicted to be benign by multiple in silico algorithms, and/or has population frequency not consistent with disease.